The following is an entry in ClinVar:

NM_005612.5(REST):c.1825G>C (p.Asp609His)

Gene: REST (RE1 silencing transcription factor; plus strand). Cytogenetic location: 4q12.
Variant type: single nucleotide variant.
Coding change: c.1825G>C on transcript NM_005612.5 (MANE Select); coding-DNA position 1825, G replaced by C.
Protein change: p.Asp609His; replaces aspartic acid 609 with histidine.
Molecular consequence: missense variant.
Genome position (GRCh38, 1-based): chr4:56,930,683, G>C. VCF-style: chr4-56930683-G-C. GRCh37 (hg19) VCF-style: chr4-57796849-G-C.
Other names: c.1825G>C, p.Asp609His (NM_001193508.2, NM_001363453.3); short protein forms D609H.
Identifiers: ClinVar variation 1491628 (VCV001491628.8), dbSNP rs2109574683, ClinGen allele CA357007506.

ClinVar aggregate classification (germline): Uncertain significance (1 of 4 stars; one submission).

Submission:

Labcorp Genetics (formerly Invitae), Labcorp
Classification: Uncertain significance. Last evaluated: 2024-11-05. Review status: criteria provided, single submitter. Criteria: Invitae Variant Classification Sherloc (09022015). Collection method: clinical testing. Allele origin: germline.
Comment: This sequence change replaces aspartic acid, which is acidic and polar, with histidine, which is basic and polar, at codon 609 of the REST protein (p.Asp609His). This variant is not present in population databases (gnomAD no frequency). This variant has not been reported in the literature in individuals affected with REST-related conditions. ClinVar contains an entry for this variant (Variation ID: 1491628). An algorithm developed to predict the effect of missense changes on protein structure and function (PolyPhen-2) suggests that this variant is likely to be tolerated. In summary, the available evidence is currently insufficient to determine the role of this variant in disease. Therefore, it has been classified as a Variant of Uncertain Significance.